The following is an entry in ClinVar:

ClinVar aggregate classification (germline): Benign/Likely benign. Review status: criteria provided, multiple submitters, no conflicts (2 of 4 stars). 4 submissions from 4 submitters: Benign (1); Likely benign (2). 1 of the submissions does not count toward it. Last evaluated 2026-06-02.

Conditions:
KIT-related disorder. Also called: KIT-related condition.
Hereditary cancer-predisposing syndrome. Also called: Neoplastic Syndromes, Hereditary; Hereditary Cancer Syndrome; Hereditary neoplastic syndrome; Tumor predisposition. Identifiers: Orphanet 140162, MedGen C0027672, MeSH D009386, MONDO:0015356.
Gastrointestinal stromal tumor. Also called: Gastrointestinal stromal tumor, somatic; Gastrointestinal stroma tumor. Identifiers: Orphanet 44890, MedGen C0238198, MeSH D046152, MONDO:0011719, OMIM 606764, HP:0100723.

Allele frequency attached by ClinVar (database versions not stated): gnomAD exomes below 0.00001; TOPMed below 0.00001; ExAC 0.00001.
gnomAD v4.1: 5 of 1,614,244 alleles (0.00031%); highest among the groups gnomAD compares: Non-Finnish European, 0.00042%; no homozygotes.

Submissions (4):

Myriad Genetics, Inc.
Classification: Benign for Gastrointestinal stromal tumor. Last evaluated: 2026-06-02. Review status: criteria provided, single submitter. Criteria: Myriad Autosomal Dominant, Autosomal Recessive and X-Linked Classification Criteria (2023). Collection method: clinical testing. Allele origin: unknown.
Comment: This variant is considered benign. This variant is a silent/synonymous amino acid change and it is not expected to impact splicing.

Labcorp Genetics (formerly Invitae), Labcorp
Classification: Likely benign for Gastrointestinal stromal tumor. Last evaluated: 2025-05-30. Review status: criteria provided, single submitter. Criteria: Invitae Variant Classification Sherloc (09022015). Collection method: clinical testing. Allele origin: germline.

Ambry Genetics
Classification: Likely benign for Hereditary cancer-predisposing syndrome. Last evaluated: 2019-07-16. Review status: criteria provided, single submitter. Criteria: Ambry Variant Classification Scheme 2023. Collection method: clinical testing. Allele origin: germline.

PreventionGenetics, part of Exact Sciences
Classification: Likely benign for KIT-related condition. Last evaluated: 2024-06-27. Review status: no assertion criteria provided. Collection method: clinical testing. Allele origin: germline. Not counted in ClinVar's aggregate classification.
Comment: This variant is classified as likely benign based on ACMG/AMP sequence variant interpretation guidelines (Richards et al. 2015 PMID: 25741868, with internal and published modifications).

NM_000222.3(KIT):c.285C>T (p.Tyr95=)

Gene: KIT (KIT proto-oncogene, receptor tyrosine kinase; plus strand). Cytogenetic location: 4q12.
Variant type: single nucleotide variant.
Coding change: c.285C>T on transcript NM_000222.3 (MANE Select); coding-DNA position 285, C replaced by T.
Protein change: p.Tyr95=; no amino-acid change (tyrosine 95 retained).
Molecular consequence: synonymous variant.
Genome position (GRCh38, 1-based): chr4:54,695,729, C>T. VCF-style: chr4-54695729-C-T. GRCh37 (hg19) VCF-style: chr4-55561895-C-T.
Other names: c.285C>T, p.Tyr95= (NM_001093772.2, NM_001385284.1, NM_001385285.1 and 4 more transcripts).
Identifiers: ClinVar variation 704164 (VCV000704164.17), dbSNP rs779113666, ClinGen allele CA2923196.